The following is an entry in ClinVar:

ClinVar aggregate classification (germline): Likely benign. Review status: criteria provided, multiple submitters, no conflicts (2 of 4 stars). 3 submissions from 3 submitters: Likely benign (3). Last evaluated 2024-02-22.

Conditions:
Arrhythmogenic right ventricular cardiomyopathy (ARVD). Also called: Arrhythmogenic cardiomyopathy; Cardiomyopathy, ARVC; Arrhythmogenic right ventricular dysplasia; Arrhythmogenic Right Ventricular Cardiomyopathy (ARVC). Identifiers: Orphanet 247, MedGen C0349788, MeSH D019571, MONDO:0016587. Disease mechanism: loss of function. Inheritance: Various modes of inheritance.
Cardiomyopathy (CMYO). Also called: Cardiomyopathies. Identifiers: Orphanet 167848, MedGen C0878544, MONDO:0004994, HP:0001638. Inheritance: Various modes of inheritance.
Arrhythmogenic right ventricular dysplasia 9 (ARVD9). Also called: Arrhythmogenic Right Ventricular Dysplasia/Cardiomyopathy 9; ARRHYTHMOGENIC RIGHT VENTRICULAR DYSPLASIA, FAMILIAL, 9. Identifiers: MedGen C1836906, MONDO:0012180, OMIM 609040.

Allele frequency attached by ClinVar (database versions not stated): gnomAD exomes below 0.00001; TOPMed below 0.00001; ExAC 0.00001; gnomAD 0.00002 and 0.00003; 1000 Genomes Project 30x 0.00016; 1000 Genomes Project 0.00020.
gnomAD v4.1: 9 of 1,613,046 alleles (0.00056%); highest among the groups gnomAD compares: South Asian, 0.0011%; no homozygotes.

Submissions (3):

All of Us Research Program, National Institutes of Health
Classification: Likely benign for Arrhythmogenic right ventricular cardiomyopathy. Last evaluated: 2024-02-22. Review status: criteria provided, single submitter. Criteria: ACMG Guidelines, 2015. Collection method: clinical testing. Allele origin: germline. Inheritance: Autosomal dominant inheritance. Observed: 3 variant alleles, 3 heterozygotes.
Comment: This study involves interpretation of variants in research participants for the purpose of population health screening. Participant phenotype was not available at the time of variant classification. Additional details can be found in publication PMID: 35346344, PMCID: PMC8962531

Labcorp Genetics (formerly Invitae), Labcorp
Classification: Likely benign for Arrhythmogenic right ventricular dysplasia 9. Last evaluated: 2024-01-03. Review status: criteria provided, single submitter. Criteria: Invitae Variant Classification Sherloc (09022015). Collection method: clinical testing. Allele origin: germline.

Color Diagnostics, LLC DBA Color Health
Classification: Likely benign for Cardiomyopathy. Last evaluated: 2018-11-27. Review status: criteria provided, single submitter. Criteria: ACMG Guidelines, 2015. Collection method: clinical testing. Allele origin: germline.

NM_001005242.3(PKP2):c.582T>C (p.Tyr194=)

Gene: PKP2 (plakophilin 2; minus strand). Cytogenetic location: 12p11.21.
Variant type: single nucleotide variant.
Coding change: c.582T>C on transcript NM_001005242.3 (MANE Select); coding-DNA position 582, T replaced by C.
Protein change: p.Tyr194=; no amino-acid change (tyrosine 194 retained).
Molecular consequence: synonymous variant.
Genome position (GRCh38, 1-based): chr12:32,878,298, A>G on the plus strand (T>C on the coding strand, the complement: PKP2 is on the minus strand). VCF-style: chr12-32878298-A-G. GRCh37 (hg19) VCF-style: chr12-33031232-A-G.
Other names: c.582T>C, p.Tyr194= (NM_004572.4).
Identifiers: ClinVar variation 697421 (VCV000697421.14), dbSNP rs532048791, ClinGen allele CA038073.
Genomic context (GRCh38, chr12:32,878,298, plus strand): 5'-AAAGTGGCGCTGCCTGCTTGTGGTGCCAGCACGGCTGACCCCCACGATCTCGGAACGAGC[A>G]TATCTCGGTGGCACTAGGAGGGCGGCCCGCCTGCTTTCTTGGTGGTGCAGGGTGTGCCCA-3'
Protein context (NP_001005242.2, residues 184-204): RRAALLVPPR[Tyr194=]ARSEIVGVSR